The following is an entry in ClinVar:

ClinVar aggregate classification (germline): Likely benign. Review status: criteria provided, single submitter (1 of 4 stars). 2 submissions from 2 submitters: Likely benign (1). 1 of the submissions does not count toward it. Last evaluated 2024-01-05.

Conditions:
LRPPRC-related disorder. Also called: LRPPRC-related condition.

Allele frequency attached by ClinVar (database versions not stated): gnomAD exomes 0.00003 and 0.00004; ExAC 0.00005; TOPMed 0.00006; ESP Exome Variant Server 0.00008; gnomAD 0.00009.
gnomAD v4.1: 52 of 1,611,104 alleles (0.0032%); highest among the groups gnomAD compares: African/African-American, 0.031%; no homozygotes.

Submissions (2):

Labcorp Genetics (formerly Invitae), Labcorp
Classification: Likely benign. Last evaluated: 2024-01-05. Review status: criteria provided, single submitter. Criteria: Invitae Variant Classification Sherloc (09022015). Collection method: clinical testing. Allele origin: germline.

PreventionGenetics, part of Exact Sciences
Classification: Likely benign for LRPPRC-related condition. Last evaluated: 2019-04-25. Review status: no assertion criteria provided. Collection method: clinical testing. Allele origin: germline. Not counted in ClinVar's aggregate classification.
Comment: This variant is classified as likely benign based on ACMG/AMP sequence variant interpretation guidelines (Richards et al. 2015 PMID: 25741868, with internal and published modifications).

NM_133259.4(LRPPRC):c.1062G>A (p.Ala354=)

Gene: LRPPRC (leucine rich pentatricopeptide repeat containing; minus strand). Cytogenetic location: 2p21.
Variant type: single nucleotide variant.
Coding change: c.1062G>A on transcript NM_133259.4 (MANE Select); coding-DNA position 1062, G replaced by A.
Protein change: p.Ala354=; no amino-acid change (alanine 354 retained).
Molecular consequence: synonymous variant.
Genome position (GRCh38, 1-based): chr2:43,974,243, C>T on the plus strand (G>A on the coding strand, the complement: LRPPRC is on the minus strand). VCF-style: chr2-43974243-C-T. GRCh37 (hg19) VCF-style: chr2-44201382-C-T.
Other names: c.1062G>A (NM_133259.3).
Identifiers: ClinVar variation 1085760 (VCV001085760.11), dbSNP rs143574934, ClinGen allele CA1639108.
Genomic context (GRCh38, chr2:43,974,243, plus strand): 5'-ACTGCCAAAGACACTTGGGCCATCTTCCTTTGATACGGGGCATGCTAGTAAAATTTGCAA[C>T]GCTACATCTTCCAATTTTTCAGTGACTAAAAGTAAAATGAGGTTCATTGCATCTGGGAAG-3'
Protein context (NP_573566.2, residues 344-364): LLVTEKLEDV[Ala354=]LQILLACPVS